The following is an entry in ClinVar:

NM_015102.5(NPHP4):c.508C>T (p.Pro170Ser)

Gene: NPHP4 (nephrocystin 4; minus strand). Cytogenetic location: 1p36.31.
Variant type: single nucleotide variant.
Coding change: c.508C>T on transcript NM_015102.5 (MANE Select); coding-DNA position 508, C replaced by T.
Protein change: p.Pro170Ser; replaces proline 170 with serine.
Molecular consequence: missense variant. On other transcripts: 5 prime UTR variant (2), non-coding transcript variant (1).
Genome position (GRCh38, 1-based): chr1:5,967,308, G>A on the plus strand (C>T on the coding strand, the complement: NPHP4 is on the minus strand). VCF-style: chr1-5967308-G-A. GRCh37 (hg19) VCF-style: chr1-6027368-G-A.
Other names: c.-722C>T (NM_001291593.2); c.-859C>T (NM_001291594.2); short protein forms P170S.
Identifiers: ClinVar variation 1499416 (VCV001499416.4), dbSNP rs1052194098, ClinGen allele CA17125556.

ClinVar aggregate classification (germline): Uncertain significance (1 of 4 stars; one submission).

Conditions:
Nephronophthisis. Also called: Juvenile Nephronophthisis. Identifiers: Orphanet 655, MedGen C0687120, MONDO:0019005, HP:0000090.

Allele frequency attached by ClinVar (database versions not stated): gnomAD exomes below 0.00001.
gnomAD v4.1: 4 of 1,604,262 alleles (0.00025%); highest among the groups gnomAD compares: Non-Finnish European, 0.00034%; no homozygotes.

Submission:

Labcorp Genetics (formerly Invitae), Labcorp
Classification: Uncertain significance for Nephronophthisis. Last evaluated: 2025-07-28. Review status: criteria provided, single submitter. Criteria: Invitae Variant Classification Sherloc (09022015). Collection method: clinical testing. Allele origin: germline.
Comment: This sequence change replaces proline, which is neutral and non-polar, with serine, which is neutral and polar, at codon 170 of the NPHP4 protein (p.Pro170Ser). This variant is not present in population databases (gnomAD no frequency). This variant has not been reported in the literature in individuals affected with NPHP4-related conditions. ClinVar contains an entry for this variant (Variation ID: 1499416). Invitae Evidence Modeling of protein sequence and biophysical properties (such as structural, functional, and spatial information, amino acid conservation, physicochemical variation, residue mobility, and thermodynamic stability) has been performed for this missense variant. However, the output from this modeling did not meet the statistical confidence thresholds required to predict the impact of this variant on NPHP4 protein function. In summary, the available evidence is currently insufficient to determine the role of this variant in disease. Therefore, it has been classified as a Variant of Uncertain Significance.